The following is an entry in ClinVar:

NM_006231.4(POLE):c.3949A>G (p.Ser1317Gly)

Gene: POLE (DNA polymerase epsilon, catalytic subunit; minus strand). Cytogenetic location: 12q24.33.
Variant type: single nucleotide variant.
Coding change: c.3949A>G on transcript NM_006231.4 (MANE Select); coding-DNA position 3949, A replaced by G.
Protein change: p.Ser1317Gly; replaces serine 1317 with glycine.
Molecular consequence: missense variant.
Genome position (GRCh38, 1-based): chr12:132,649,362, T>C on the plus strand (A>G on the coding strand, the complement: POLE is on the minus strand). VCF-style: chr12-132649362-T-C. GRCh37 (hg19) VCF-style: chr12-133225948-T-C.
Other names: c.3949A>G (NM_006231.2); short protein forms S1317G.
Identifiers: ClinVar variation 646220 (VCV000646220.9), dbSNP rs1593749688, ClinGen allele CA387384931.

ClinVar aggregate classification (germline): Conflicting classifications of pathogenicity. Review status: criteria provided, conflicting classifications (1 of 4 stars). 2 submissions from 2 submitters: Uncertain significance (1); Likely benign (1). Last evaluated 2025-05-17.

Conditions:
Hereditary cancer-predisposing syndrome. Also called: Hereditary Cancer Syndrome; Tumor predisposition; Hereditary neoplastic syndrome; Neoplastic Syndromes, Hereditary. Identifiers: Orphanet 140162, MedGen C0027672, MeSH D009386, MONDO:0015356.

Submissions (2):

Ambry Genetics
Classification: Likely benign for Hereditary cancer-predisposing syndrome. Last evaluated: 2025-05-17. Review status: criteria provided, single submitter. Criteria: Ambry Variant Classification Scheme 2023. Collection method: clinical testing. Allele origin: germline.

Labcorp Genetics (formerly Invitae), Labcorp
Classification: Uncertain significance. Last evaluated: 2022-02-02. Review status: criteria provided, single submitter. Criteria: Invitae Variant Classification Sherloc (09022015). Collection method: clinical testing. Allele origin: germline.
Comment: In summary, the available evidence is currently insufficient to determine the role of this variant in disease. Therefore, it has been classified as a Variant of Uncertain Significance. Algorithms developed to predict the effect of missense changes on protein structure and function output the following: SIFT: "Tolerated"; PolyPhen-2: "Benign"; Align-GVGD: "Class C0". The glycine amino acid residue is found in multiple mammalian species, which suggests that this missense change does not adversely affect protein function. ClinVar contains an entry for this variant (Variation ID: 646220). This variant has not been reported in the literature in individuals affected with POLE-related conditions. This variant is not present in population databases (gnomAD no frequency). This sequence change replaces serine, which is neutral and polar, with glycine, which is neutral and non-polar, at codon 1317 of the POLE protein (p.Ser1317Gly).